The following is an entry in ClinVar:

ClinVar aggregate classification (germline): Likely benign. Review status: criteria provided, multiple submitters, no conflicts (2 of 4 stars). 3 submissions from 3 submitters: Likely benign (2). 1 of the submissions does not count toward it. Last evaluated 2026-01-28.

Conditions:
TELO2-related disorder. Also called: TELO2-related condition.

Allele frequency attached by ClinVar (database versions not stated): ExAC 0.00050; gnomAD exomes 0.00050; ESP Exome Variant Server 0.00146; gnomAD 0.00174 and 0.00182; TOPMed 0.00201; 1000 Genomes Project 0.00300; 1000 Genomes Project 30x 0.00344.
gnomAD v4.1: 567 of 1,613,940 alleles (0.035%); highest among the groups gnomAD compares: African/African-American, 0.56%; 2 homozygotes.

Submissions (3):

Labcorp Genetics (formerly Invitae), Labcorp
Classification: Likely benign. Last evaluated: 2026-01-28. Review status: criteria provided, single submitter. Criteria: Invitae Variant Classification Sherloc (09022015). Collection method: clinical testing. Allele origin: germline.

CeGaT Center for Human Genetics Tuebingen
Classification: Likely benign. Last evaluated: 2025-11-01. Review status: criteria provided, single submitter. Criteria: CeGaT Center For Human Genetics Tuebingen Variant Classification Criteria Version 2. Collection method: clinical testing. Allele origin: germline. Affected: yes. Observed: 1 variant allele.
Comment: TELO2: BP4, BS2

PreventionGenetics, part of Exact Sciences
Classification: Likely benign for TELO2-related condition. Last evaluated: 2019-12-06. Review status: no assertion criteria provided. Collection method: clinical testing. Allele origin: germline. Not counted in ClinVar's aggregate classification.
Comment: This variant is classified as likely benign based on ACMG/AMP sequence variant interpretation guidelines (Richards et al. 2015 PMID: 25741868, with internal and published modifications).

NM_016111.4(TELO2):c.832C>G (p.Pro278Ala)

Gene: TELO2 (telomere maintenance 2; plus strand). Cytogenetic location: 16p13.3.
Variant type: single nucleotide variant.
Coding change: c.832C>G on transcript NM_016111.4 (MANE Select); coding-DNA position 832, C replaced by G.
Protein change: p.Pro278Ala; replaces proline 278 with alanine.
Molecular consequence: missense variant.
Genome position (GRCh38, 1-based): chr16:1,499,232, C>G. VCF-style: chr16-1499232-C-G. GRCh37 (hg19) VCF-style: chr16-1549233-C-G.
Other names: c.832C>G, p.Pro278Ala (NM_001351846.2); short protein forms P278A.
Identifiers: ClinVar variation 728176 (VCV000728176.18), dbSNP rs148740663, ClinGen allele CA7811818.